The following is an entry in ClinVar:

ClinVar aggregate classification (germline): Likely pathogenic (1 of 4 stars; one submission).

Conditions:
Primary ciliary dyskinesia 3. Identifiers: Orphanet 244, MedGen C1837618, MONDO:0012085, OMIM 608644.

Submission:

Myriad Genetics, Inc.
Classification: Likely pathogenic for Primary ciliary dyskinesia 3. Last evaluated: 2022-01-02. Review status: criteria provided, single submitter. Criteria: Myriad Women's Health Autosomal Recessive and X-Linked Classification Criteria (2021). Collection method: clinical testing. Allele origin: unknown.
Comment: NM_001369.2(DNAH5):c.12073_12074ins13(A4025Dfs*20) is expected to be pathogenic in the context of DNAH5-related primary ciliary dyskinesia. This variant is predicted to lead to an abnormal or absent protein product due to the creation of a premature termination codon in DNAH5, a gene where loss-of-function variants are known to be pathogenic. Please note: this variant was assessed in the context of healthy population screening.

NM_001369.3(DNAH5):c.12073_12074insATAGAGAAGAGGT (p.Ala4025fs)

Gene: DNAH5 (dynein axonemal heavy chain 5; minus strand). Cytogenetic location: 5p15.2.
Variant type: Insertion.
Coding change: c.12073_12074insATAGAGAAGAGGT on transcript NM_001369.3 (MANE Select); coding-DNA positions 12073 to 12074, ATAGAGAAGAGGT inserted.
Protein change: p.Ala4025fs; shifts the reading frame from alanine 4025.
Molecular consequence: frameshift variant.
Genome position: GRCh38 VCF-style: chr5-13721205-G-GACCTCTTCTCTAT. GRCh37 (hg19) VCF-style: chr5-13721314-G-GACCTCTTCTCTAT.
Other names: short protein forms A4025fs.
Identifiers: ClinVar variation 1726977 (VCV001726977.2), dbSNP rs2546525870, ClinGen allele CA2580072018.